The following is an entry in ClinVar:

ClinVar aggregate classification (germline): Likely benign (0 of 4 stars; one submission).

Conditions:
AMACR-related disorder. Also called: AMACR-related condition; AMACR-Related Disorders.

Allele frequency attached by ClinVar (database versions not stated): TOPMed 0.00003.

Submission:

PreventionGenetics, part of Exact Sciences
Classification: Likely benign for AMACR-related condition. Last evaluated: 2023-04-12. Review status: no assertion criteria provided. Collection method: clinical testing. Allele origin: germline.
Comment: This variant is classified as likely benign based on ACMG/AMP sequence variant interpretation guidelines (Richards et al. 2015 PMID: 25741868, with internal and published modifications).

NM_014324.6(AMACR):c.-3G>A

Genes: C1QTNF3-AMACR (C1QTNF3-AMACR readthrough (NMD candidate); minus strand), AMACR (alpha-methylacyl-CoA racemase; minus strand). Cytogenetic location: 5p13.2.
Variant type: single nucleotide variant.
Coding change: c.-3G>A on transcript NM_014324.6 (MANE Select); 3 bases upstream of the start codon, G replaced by A.
Molecular consequence: 5 prime UTR variant.
Genome position (GRCh38, 1-based): chr5:34,008,022, C>T on the plus strand (G>A on the coding strand, the complement: AMACR is on the minus strand). VCF-style: chr5-34008022-C-T. GRCh37 (hg19) VCF-style: chr5-34008127-C-T.
Other names: c.-3G>A (NM_001167595.2, NM_203382.3).
Identifiers: ClinVar variation 3036765 (VCV003036765.2), dbSNP rs770051808, ClinGen allele CA558971206.
Genomic context (GRCh38, chr5:34,008,022, plus strand): 5'-AGAACGGGCCCGGGGCCAGGCCGGACAGCTCCACGACCGAGATGCCCTGCAGTGCCATGG[C>T]GCTTCCCAGTGCCCCGCTGAAGGAAACTGAGCAGCCCTTAGCCCCAGCCCAGCAGCCTGC-3'